The following is an entry in ClinVar:

NM_006514.4(SCN10A):c.2202C>G (p.Cys734Trp)

Gene: SCN10A (sodium voltage-gated channel alpha subunit 10; minus strand). Cytogenetic location: 3p22.2.
Variant type: single nucleotide variant.
Coding change: c.2202C>G on transcript NM_006514.4 (MANE Select); coding-DNA position 2202, C replaced by G.
Protein change: p.Cys734Trp; replaces cysteine 734 with tryptophan.
Molecular consequence: missense variant.
Genome position (GRCh38, 1-based): chr3:38,739,593, G>C on the plus strand (C>G on the coding strand, the complement: SCN10A is on the minus strand). VCF-style: chr3-38739593-G-C. GRCh37 (hg19) VCF-style: chr3-38781084-G-C.
Other names: c.2202C>G, p.Cys734Trp (NM_001293306.2); c.1908C>G, p.Cys636Trp (NM_001293307.2); short protein forms C734W, C636W.
Identifiers: ClinVar variation 532080 (VCV000532080.5), dbSNP rs910678839, ClinGen allele CA72974470.

ClinVar aggregate classification (germline): Conflicting classifications of pathogenicity. Review status: criteria provided, conflicting classifications (1 of 4 stars). 2 submissions from 2 submitters: Uncertain significance (1); Likely benign (1). Last evaluated 2026-02-01.

Conditions:
Brugada syndrome. Also called: Sudden unexplained nocturnal death syndrome; Sudden Unexplained Death Syndrome; Sudden Unexplained Nocturnal Death Syndrome (SUNDS); Sudden unexpected nocturnal death syndrome. Identifiers: Orphanet 130, MedGen C1142166, MONDO:0015263.
Cardiovascular phenotype. Identifiers: MedGen CN230736.

Allele frequency attached by ClinVar (database versions not stated): gnomAD exomes 0.00001; TOPMed 0.00009; gnomAD 0.00010 and 0.00011.
gnomAD v4.1: 24 of 1,613,938 alleles (0.0015%); highest among the groups gnomAD compares: African/African-American, 0.029%; no homozygotes.

Submissions (2):

Labcorp Genetics (formerly Invitae), Labcorp
Classification: Uncertain significance for Brugada syndrome. Last evaluated: 2026-02-01. Review status: criteria provided, single submitter. Criteria: Invitae Variant Classification Sherloc (09022015). Collection method: clinical testing. Allele origin: germline.
Comment: This sequence change replaces cysteine, which is neutral and slightly polar, with tryptophan, which is neutral and slightly polar, at codon 734 of the SCN10A protein (p.Cys734Trp). This variant is present in population databases (no rsID available, gnomAD 0.03%). This variant has not been reported in the literature in individuals affected with SCN10A-related conditions. ClinVar contains an entry for this variant (Variation ID: 532080). Invitae Evidence Modeling of protein sequence and biophysical properties (such as structural, functional, and spatial information, amino acid conservation, physicochemical variation, residue mobility, and thermodynamic stability) has been performed for this missense variant. However, the output from this modeling did not meet the statistical confidence thresholds required to predict the impact of this variant on SCN10A protein function. In summary, the available evidence is currently insufficient to determine the role of this variant in disease. Therefore, it has been classified as a Variant of Uncertain Significance.

Ambry Genetics
Classification: Likely benign for Cardiovascular phenotype. Last evaluated: 2022-05-05. Review status: criteria provided, single submitter. Criteria: Ambry Variant Classification Scheme 2023. Collection method: clinical testing. Allele origin: germline.